The following is an entry in ClinVar:

NM_145649.5(GCNT2):c.1184C>T (p.Ala395Val)

Gene: GCNT2 (glucosaminyl (N-acetyl) transferase 2 (I blood group); plus strand). Cytogenetic location: 6p24.2.
Variant type: single nucleotide variant.
Coding change: c.1184C>T on transcript NM_145649.5 (MANE Select); coding-DNA position 1184, C replaced by T.
Protein change: p.Ala395Val; replaces alanine 395 with valine.
Molecular consequence: missense variant.
Genome position (GRCh38, 1-based): chr6:10,626,582, C>T. VCF-style: chr6-10626582-C-T. GRCh37 (hg19) VCF-style: chr6-10626815-C-T.
Other names: c.1184C>T, p.Ala395Val (NM_001374747.1, NM_145655.4); c.1178C>T, p.Ala393Val (NM_001491.3); short protein forms A393V, A395V.
Identifiers: ClinVar variation 4979910 (VCV004979910.1).

ClinVar aggregate classification (germline): Uncertain significance (1 of 4 stars; one submission).

Conditions:
GCNT2-related disorder. Also called: GCNT2-related condition.

gnomAD v4.1: 98 of 1,613,382 alleles (0.0061%); highest among the groups gnomAD compares: South Asian, 0.096%; 1 homozygote.

Submission:

PreventionGenetics, part of Exact Sciences
Classification: Uncertain significance for GCNT2-related condition. Last evaluated: 2025-10-29. Review status: criteria provided, single submitter. Criteria: ACMG Guidelines, 2015. Collection method: clinical testing. Allele origin: germline.
Comment: The GCNT2 c.1178C>T variant is predicted to result in the amino acid substitution p.Ala393Val. To our knowledge, this variant has not been reported in the literature. This variant is reported in 0.11% of alleles in individuals of South Asian descent in gnomAD. Although we suspect this variant may be benign, at this time, the clinical significance of this variant is uncertain due to the absence of conclusive functional and genetic evidence.